The following is an entry in ClinVar:

NM_000059.4(BRCA2):c.6098T>A (p.Ile2033Lys)

Gene: BRCA2 (BRCA2 DNA repair associated; plus strand). Cytogenetic location: 13q13.1.
Variant type: single nucleotide variant.
Coding change: c.6098T>A on transcript NM_000059.4 (MANE Select); coding-DNA position 6098, T replaced by A.
Protein change: p.Ile2033Lys; replaces isoleucine 2033 with lysine.
Molecular consequence: missense variant.
Genome position (GRCh38, 1-based): chr13:32,340,453, T>A. VCF-style: chr13-32340453-T-A. GRCh37 (hg19) VCF-style: chr13-32914590-T-A.
Other names: 6326T>A; short protein forms I2033K.
Identifiers: ClinVar variation 91438 (VCV000091438.23), dbSNP rs398122548, ClinGen allele CA023648.

ClinVar aggregate classification (germline): Conflicting classifications of pathogenicity. Review status: criteria provided, conflicting classifications (1 of 4 stars). 7 submissions from 7 submitters: Uncertain significance (5); Likely benign (1). 1 of the submissions does not count toward it. Last evaluated 2024-10-01.

Conditions:
Hereditary breast ovarian cancer syndrome. Also called: Breast and ovarian cancer; Hereditary breast and ovarian cancer; Hereditary breast and ovarian cancer syndrome; BRCA1- and BRCA2-Associated Hereditary Breast and Ovarian Cancer; Hereditary breast and ovarian cancer syndrome (HBOC); Hereditary breast and/or ovarian cancer syndrome. Identifiers: Orphanet 145, MedGen C0677776, MeSH D061325, MONDO:0003582. Disease mechanism: loss of function.
Breast-ovarian cancer, familial, susceptibility to, 2 (BROVCA2). Also called: BRCA2 Hereditary Breast and Ovarian Cancer. Identifiers: Orphanet 145, MedGen C2675520, MONDO:0012933, OMIM 612555. Disease mechanism: loss of function.
Hereditary cancer-predisposing syndrome. Also called: Tumor predisposition; Hereditary Cancer Syndrome; Neoplastic Syndromes, Hereditary; Hereditary neoplastic syndrome. Identifiers: Orphanet 140162, MedGen C0027672, MeSH D009386, MONDO:0015356.

Allele frequency attached by ClinVar (database versions not stated): gnomAD exomes below 0.00001; TOPMed 0.00001; gnomAD 0.00002.
gnomAD v4.1: 4 of 1,613,732 alleles (0.00025%); highest among the groups gnomAD compares: African/African-American, 0.0053%; no homozygotes.

Submissions (7):

Labcorp Genetics (formerly Invitae), Labcorp
Classification: Uncertain significance for Hereditary breast ovarian cancer syndrome. Last evaluated: 2024-10-01. Review status: criteria provided, single submitter. Criteria: Invitae Variant Classification Sherloc (09022015). Collection method: clinical testing. Allele origin: germline.
Comment: This sequence change replaces isoleucine, which is neutral and non-polar, with lysine, which is basic and polar, at codon 2033 of the BRCA2 protein (p.Ile2033Lys). This variant is present in population databases (rs398122548, gnomAD 0.03%). This variant has not been reported in the literature in individuals affected with BRCA2-related conditions. ClinVar contains an entry for this variant (Variation ID: 91438). Invitae Evidence Modeling of protein sequence and biophysical properties (such as structural, functional, and spatial information, amino acid conservation, physicochemical variation, residue mobility, and thermodynamic stability) indicates that this missense variant is not expected to disrupt BRCA2 protein function with a negative predictive value of 95%. In summary, the available evidence is currently insufficient to determine the role of this variant in disease. Therefore, it has been classified as a Variant of Uncertain Significance.

Ambry Genetics
Classification: Uncertain significance for Hereditary cancer-predisposing syndrome. Last evaluated: 2024-04-28. Review status: criteria provided, single submitter. Criteria: Ambry Variant Classification Scheme 2023. Collection method: clinical testing. Allele origin: germline.
Comment: The p.I2033K variant (also known as c.6098T>A), located in coding exon 10 of the BRCA2 gene, results from a T to A substitution at nucleotide position 6098. The isoleucine at codon 2033 is replaced by lysine, an amino acid with dissimilar properties. This amino acid position is poorly conserved in available vertebrate species. In addition, this alteration is predicted to be tolerated by in silico analysis. Since supporting evidence is limited at this time, the clinical significance of this alteration remains unclear.

All of Us Research Program, National Institutes of Health
Classification: Uncertain significance for Breast-ovarian cancer, familial, susceptibility to, 2. Last evaluated: 2023-10-23. Review status: criteria provided, single submitter. Criteria: ACMG Guidelines, 2015. Collection method: clinical testing. Allele origin: germline. Inheritance: Autosomal dominant inheritance. Observed: 1 variant allele, 1 heterozygote.
Comment: This missense variant replaces isoleucine with lysine at codon 2033 of the BRCA2 protein. Computational prediction suggests that this variant may not impact protein structure and function (internally defined REVEL score threshold <= 0.5, PMID: 27666373). To our knowledge, functional studies have not been reported for this variant. This variant has not been reported in individuals affected with BRCA2-related disorders in the literature. This variant has been identified in 3/31398 chromosomes in the general population by the Genome Aggregation Database (gnomAD). The available evidence is insufficient to determine the role of this variant in disease conclusively. Therefore, this variant is classified as a Variant of Uncertain Significance.

This study involves interpretation of variants in research participants for the purpose of population health screening. Participant phenotype was not available at the time of variant classification. Additional details can be found in publication PMID: 35346344, PMCID: PMC8962531

GeneDx
Classification: Uncertain significance. Last evaluated: 2023-05-26. Review status: criteria provided, single submitter. Criteria: GeneDx Variant Classification Process June 2021. Collection method: clinical testing. Allele origin: germline. Affected: yes.
Comment: Observed in an individual with unspecified personal and/or family history of cancer undergoing multi-gene panel testing (Li et al., 2020); In silico analysis supports that this missense variant has a deleterious effect on protein structure/function; Also known as 6326T>A; This variant is associated with the following publications: (PMID: 29884841, 32377563, 31911673, 31853058)

University of Washington Department of Laboratory Medicine, University of Washington
Classification: Likely benign for Hereditary cancer-predisposing syndrome. Last evaluated: 2023-03-23. Review status: criteria provided, single submitter. Criteria: Dines et al. (Genet Med. 2020). Collection method: curation. Allele origin: germline.
Comment: Missense variant in a coldspot region where missense variants are very unlikely to be pathogenic (PMID:31911673).

BRCA2 exon 11 coldspot. Reclassification based on statistical prior probability.

Women's Health and Genetics/Laboratory Corporation of America, LabCorp
Classification: Uncertain significance. Last evaluated: 2021-06-03. Review status: criteria provided, single submitter. Criteria: LabCorp Variant Classification Summary - May 2015. Collection method: clinical testing. Allele origin: germline.
Comment: Variant summary: BRCA2 c.6098T>A (p.Ile2033Lys) results in a non-conservative amino acid change in the encoded protein sequence. Three of five in-silico tools predict a benign effect of the variant on protein function. The variant was absent in 251014 control chromosomes. The available data on variant occurrences in the general population are insufficient to allow any conclusion about variant significance. To our knowledge, no occurrence of c.6098T>A in individuals affected with Hereditary Breast And Ovarian Cancer Syndrome and no experimental evidence demonstrating its impact on protein function have been reported. Two clinical diagnostic laboratories have submitted clinical-significance assessments for this variant to ClinVar after 2014 without evidence for independent evaluation. Both laboratories cited the variant as uncertain significance. Based on the evidence outlined above, the variant was classified as uncertain significance.

Sharing Clinical Reports Project (SCRP)
Classification: Uncertain significance for Breast-ovarian cancer, familial 2. Last evaluated: 2008-03-24. Review status: no assertion criteria provided. Collection method: clinical testing. Allele origin: germline. Not counted in ClinVar's aggregate classification.